The following is an entry in ClinVar:

NM_002471.4(MYH6):c.5543G>A (p.Arg1848His)

Gene: MYH6 (myosin heavy chain 6; minus strand). Cytogenetic location: 14q11.2.
Variant type: single nucleotide variant.
Coding change: c.5543G>A on transcript NM_002471.4 (MANE Select); coding-DNA position 5543, G replaced by A.
Protein change: p.Arg1848His; replaces arginine 1848 with histidine.
Molecular consequence: missense variant.
Genome position (GRCh38, 1-based): chr14:23,384,464, C>T on the plus strand (G>A on the coding strand, the complement: MYH6 is on the minus strand). VCF-style: chr14-23384464-C-T. GRCh37 (hg19) VCF-style: chr14-23853673-C-T.
Other names: short protein forms R1848H.
Identifiers: ClinVar variation 3572486 (VCV003572486.2).
Genomic context (GRCh38, chr14:23,384,464, plus strand): 5'-CTTCCACATCTACTCCTGGTGTCTGGCGTCCGCCGCACCTGGTAGGTGAGCTCCTTGATG[C>T]GCCGCTCGCTCTTCCTCATGCCCTTCACCGACTCTGCGTTGCGCTTCTGCTCGGCCTCCA-3'
Protein context (NP_002462.2, residues 1838-1858): SVKGMRKSER[Arg1848His]IKELTYQTEE

ClinVar aggregate classification (germline): Uncertain significance. Review status: criteria provided, multiple submitters, no conflicts (2 of 4 stars). 2 submissions from 2 submitters: Uncertain significance (2). Last evaluated 2024-07-24.

gnomAD v4.1: 30 of 1,611,494 alleles (0.0019%); highest among the groups gnomAD compares: Non-Finnish European, 0.0021%; no homozygotes.

Submissions (2):

Blueprint Genetics
Classification: Uncertain significance. Last evaluated: 2024-07-24. Review status: criteria provided, single submitter. Criteria: ACMG Guidelines, 2015. Collection method: clinical testing. Allele origin: germline.

GeneDx
Classification: Uncertain significance. Last evaluated: 2024-07-11. Review status: criteria provided, single submitter. Criteria: GeneDx Variant Classification Process June 2021. Collection method: clinical testing. Allele origin: germline. Affected: yes.
Comment: Identified in a patient with Brugada syndrome in published literature (PMID: 26220970); Not observed at significant frequency in large population cohorts (gnomAD); In silico analysis supports that this missense variant has a deleterious effect on protein structure/function; This variant is associated with the following publications: (PMID: 26220970)